The following continues an entry in ClinVar:

NM_000057.4(BLM):c.968A>G (p.Lys323Arg)

Gene: BLM. ClinVar aggregate classification (germline): Conflicting classifications of pathogenicity. Uncertain significance (13); Likely benign (3).

Submissions 11 to 19 of 19:

Women's Health and Genetics/Laboratory Corporation of America, LabCorp
Classification: Uncertain significance. Last evaluated: 2023-06-29. Review status: criteria provided, single submitter. Criteria: LabCorp Variant Classification Summary - May 2015. Collection method: clinical testing. Allele origin: germline.
Comment: Variant summary: BLM c.968A>G (p.Lys323Arg) results in a conservative amino acid change located in the RecQ-like DNA helicase BLM, N-terminal domain (IPR032437) of the encoded protein sequence. Four of five in-silico tools predict a benign effect of the variant on protein function. The variant allele was found at a frequency of 0.00037 in 252142 control chromosomes (gnomAD). This frequency is not significantly higher than estimated for a pathogenic variant in BLM causing Bloom Syndrome (0.00037 vs 0.0035), allowing no conclusion about variant significance. c.968A>G has been reported in the literature in individuals affected with various cancers without strong evidence of causality, as well as in unaffected controls (e.g. Bodian_2014, Bononi_2020, Guindalini_2022, Infante_2022, Li_2021, Mondschein_82022, Patel_2021, Paulo_2018, Sandoval_2021, Zhang_2015, Martin-Morales_2018). These reports do not provide unequivocal conclusions about association of the variant with Bloom Syndrome. Co-occurrence with other pathogenic variants has been reported in an ovarian cancer patient (BRCA1 c.4165_4166del, p.Gln1388_Ser1389insTer; RAD51C c.709C>T, p.Arg237Ter; Infante_2022), providing supporting evidence for a benign role. To our knowledge, no experimental evidence demonstrating an impact on protein function has been reported. The following publications have been ascertained in the context of this evaluation (PMID: 33436027, 36232793, 26580448, 35264596, 24728327, 29659569, 35892882, 34117267, 33318203, 33606809, 30256826). 11 submitters have cited clinical-significance assessments for this variant to ClinVar after 2014, and classified it as uncertain significance (n=10) or likely benign (n=1). Based on the evidence outlined above, the variant was classified as uncertain significance.

Ambry Genetics
Classification: Likely benign for Hereditary cancer-predisposing syndrome. Last evaluated: 2022-06-28. Review status: criteria provided, single submitter. Criteria: Ambry Variant Classification Scheme 2023. Collection method: clinical testing. Allele origin: germline.

Fulgent Genetics
Classification: Uncertain significance for Bloom syndrome. Last evaluated: 2022-04-02. Review status: criteria provided, single submitter. Criteria: ACMG Guidelines, 2015. Collection method: clinical testing. Allele origin: unknown.

Sema4
Classification: Uncertain significance for Hereditary cancer-predisposing syndrome. Last evaluated: 2022-01-04. Review status: criteria provided, single submitter. Criteria: Sema4 Curation Guidelines. Collection method: curation. Allele origin: germline.
Comment: The BLM c.968A>G (p.K323R) variant has been reported in heterozygosity in at least 5 individuals with colon polyps, breast cancer, or other cancers (PMID: 33436027, 23028338, 33318203, 28873162, 26580448). This variant was observed in 96/128798 chromosomes in the Non-Finnish European population, with no homozygotes, according to the Genome Aggregation Database (PMID: 32461654). The variant has been reported in ClinVar (Variation ID 127518). In silico tools suggest the impact of the variant on protein function is inconclusive, though these predictions have not been confirmed by functional studies. The overall evidence is insufficient to meet ACMG/AMP criteria for classifying it as benign or pathogenic. In summary, the clinical significance of this variant is currently uncertain.

Institute for Clinical Genetics, University Hospital TU Dresden, University Hospital TU Dresden
Classification: Uncertain significance. Last evaluated: 2021-11-03. Review status: criteria provided, single submitter. Criteria: ACMG Guidelines, 2015. Collection method: clinical testing. Allele origin: germline.

Illumina Laboratory Services, Illumina
Classification: Uncertain significance for Bloom syndrome. Last evaluated: 2017-04-28. Review status: criteria provided, single submitter. Criteria: ICSL Variant Classification Criteria 13 December 2019. Collection method: clinical testing. Allele origin: germline.
Comment: This variant was observed as part of a predisposition screen in an ostensibly healthy population. A literature search was performed for the gene, cDNA change, and amino acid change (where applicable). Publications were found based on this search. However, the evidence from the literature, in combination with allele frequency data from public databases where available, was not sufficient to rule this variant in or out of causing disease. Therefore, this variant is classified as a variant of unknown significance.

Natera, Inc.
Classification: Uncertain significance for Bloom syndrome. Last evaluated: 2017-10-17. Review status: no assertion criteria provided. Collection method: clinical testing. Allele origin: germline. Not counted in ClinVar's aggregate classification.

ITMI
No classification provided. Condition: AllHighlyPenetrant. Last evaluated: 2013-09-19. Review status: no classification provided. Collection method: reference population. Allele origin: germline. Not counted in ClinVar's aggregate classification.
Comment: Please see associated publication for description of ethnicities

Department of Pathology and Laboratory Medicine, Sinai Health System
Classification: Uncertain significance. Review status: no assertion criteria provided. Collection method: clinical testing. Allele origin: unknown. Affected: yes. Study: The Canadian Open Genetics Repository (COGR). Not counted in ClinVar's aggregate classification.
Comment: The BLM p.Lys323Arg variant was identified in dbSNP (ID: rs146504061), ClinVar (classified as VUS by Invitae, Ambry Genetics, Mendelics, Fulgent Genetics and GeneDx for Bloom syndrome and Hereditary cancer-predisposing syndrome) and LOVD 3.0 (classified as a VUS) but was not identified in Cosmic. The variant was also found in control databases in 109 of 282184 chromosomes at a frequency of 0.000386 increasing the likelihood this could be a low frequency benign variant (Genome Aggregation Database Feb 27, 2017). The variant was observed in the following populations: European (non-Finnish) in 96 of 128798 chromosomes (freq: 0.000745), Other in 3 of 7198 chromosomes (freq: 0.000417), African in 6 of 24952 chromosomes (freq: 0.000241) and Latino in 4 of 35350 chromosomes (freq: 0.000113), while the variant was not observed in the Ashkenazi Jewish, East Asian, European (Finnish) and South Asian populations. This variant was identified in 1/681 healthy individuals in a study assessing variation in cancer genes in a healthy population (Bodian_2014_PMID 24728327). Another study identified the K323R variant in 1/453 cases of breast cancer (Thompson_2012_PMID 23028338). The variant occurs outside of the splicing consensus sequence and in silico or computational prediction software programs (SpliceSiteFinder, MaxEntScan, NNSPLICE, GeneSplicer) do not predict a difference in splicing. The p.Lys323 residue is not conserved in mammals and computational analyses (PolyPhen-2, SIFT, AlignGVGD, BLOSUM, MutationTaster) provide inconsistent predictions regarding the impact to the protein; this information is not very predictive of pathogenicity. In summary, based on the above information the clinical significance of this variant cannot be determined with certainty at this time. This variant is classified as a variant of uncertain significance.

Literature cited by the submitters: PubMed 23028338 (cited by 3 submitters); PubMed 35264596 (cited by Quest Diagnostics Nichols Institute San Juan Capistrano and Women's Health and Genetics/Laboratory Corporation of America, LabCorp); PubMed 33436027 (cited by 3 submitters); PubMed 35892882 (cited by Quest Diagnostics Nichols Institute San Juan Capistrano and Women's Health and Genetics/Laboratory Corporation of America, LabCorp); PubMed 36232793 (cited by Quest Diagnostics Nichols Institute San Juan Capistrano and Women's Health and Genetics/Laboratory Corporation of America, LabCorp); PubMed 22829774 (cited by Quest Diagnostics Nichols Institute San Juan Capistrano and Illumina Laboratory Services, Illumina); PubMed 33318203 (cited by 3 submitters); PubMed 24728327 (cited by 5 submitters); PubMed 26580448 (cited by 3 submitters); PubMed 28873162 (cited by Quest Diagnostics Nichols Institute San Juan Capistrano and Sema4); PubMed 38110397 (cited by Quest Diagnostics Nichols Institute San Juan Capistrano); PubMed 34117267 (cited by Quest Diagnostics Nichols Institute San Juan Capistrano and Women's Health and Genetics/Laboratory Corporation of America, LabCorp); PubMed 33606809 (cited by Quest Diagnostics Nichols Institute San Juan Capistrano and Women's Health and Genetics/Laboratory Corporation of America, LabCorp); PubMed 29659569 (cited by Quest Diagnostics Nichols Institute San Juan Capistrano and Women's Health and Genetics/Laboratory Corporation of America, LabCorp); PubMed 30256826 (cited by Quest Diagnostics Nichols Institute San Juan Capistrano and Women's Health and Genetics/Laboratory Corporation of America, LabCorp).